The following is an entry in ClinVar:

NM_001414002.2(SSU72L5):c.12C>T (p.Ser4=)

Gene: SSU72L5 (SSU72 like 5; plus strand). Cytogenetic location: 11p15.4.
Variant type: single nucleotide variant.
Coding change: c.12C>T on transcript NM_001414002.2 (MANE Select); coding-DNA position 12, C replaced by T.
Protein change: p.Ser4=; no amino-acid change (serine 4 retained).
Molecular consequence: synonymous variant.
Genome position (GRCh38, 1-based): chr11:4,233,299, C>T. VCF-style: chr11-4233299-C-T. GRCh37 (hg19) VCF-style: chr11-4254529-C-T.
Identifiers: ClinVar variation 2641527 (VCV002641527.24), dbSNP rs1040724888, ClinGen allele CA216403573.

ClinVar aggregate classification (germline): Likely benign (1 of 4 stars; one submission).

Allele frequency attached by ClinVar (database versions not stated): TOPMed 0.00003.

Submission:

CeGaT Center for Human Genetics Tuebingen
Classification: Likely benign. Last evaluated: 2023-03-01. Review status: criteria provided, single submitter. Criteria: CeGaT Center For Human Genetics Tuebingen Variant Classification Criteria Version 2. Collection method: clinical testing. Allele origin: germline. Affected: yes. Observed: 1 variant allele.
Comment: SSU72L5: BP4, BP7